The following is an entry in ClinVar:

ClinVar aggregate classification (germline): Uncertain significance. Review status: criteria provided, multiple submitters, no conflicts (2 of 4 stars). 2 submissions from 2 submitters: Uncertain significance (2). Last evaluated 2025-01-05.

Allele frequency attached by ClinVar (database versions not stated): ESP Exome Variant Server 0.00049; TOPMed 0.00046; 1000 Genomes Project 30x 0.00016; ExAC 0.00015; 1000 Genomes Project 0.00020; gnomAD 0.00045.
gnomAD v4.1: 163 of 1,613,754 alleles (0.01%); highest among the groups gnomAD compares: African/African-American, 0.16%; no homozygotes.

Submissions (2):

Mayo Clinic Laboratories, Mayo Clinic
Classification: Uncertain significance. Last evaluated: 2025-01-05. Review status: criteria provided, single submitter. Criteria: ACMG Guidelines, 2015. Collection method: clinical testing. Allele origin: germline. Observed: 1 variant allele.
Comment: BP4, PM2_supporting

Ambry Genetics
Classification: Uncertain significance. Last evaluated: 2021-07-13. Review status: criteria provided, single submitter. Criteria: Ambry Variant Classification Scheme 2023. Collection method: clinical testing. Allele origin: germline.

NM_007098.4(CLTCL1):c.3634G>A (p.Glu1212Lys)

Gene: CLTCL1 (clathrin heavy chain like 1; minus strand). Cytogenetic location: 22q11.21.
Variant type: single nucleotide variant.
Coding change: c.3634G>A on transcript NM_007098.4 (MANE Select); coding-DNA position 3634, G replaced by A.
Protein change: p.Glu1212Lys; replaces glutamic acid 1212 with lysine.
Molecular consequence: missense variant.
Genome position (GRCh38, 1-based): chr22:19,201,460, C>T on the plus strand (G>A on the coding strand, the complement: CLTCL1 is on the minus strand). VCF-style: chr22-19201460-C-T. GRCh37 (hg19) VCF-style: chr22-19188971-C-T.
Other names: p.Glu1212Lys; c.3634G>A, p.Glu1212Lys (NM_001835.4); short protein forms E1212K.
Identifiers: ClinVar variation 2348030 (VCV002348030.3), dbSNP rs201292541, ClinGen allele CA10098010.